The following is an entry in ClinVar:

ClinVar aggregate classification (germline): Benign/Likely benign. Review status: criteria provided, multiple submitters, no conflicts (2 of 4 stars). 5 submissions from 5 submitters: Benign (1); Likely benign (3). 1 of the submissions does not count toward it. Last evaluated 2026-01-18.

Conditions:
Familial cancer of breast. Also called: BREAST CANCER, FAMILIAL; Hereditary breast cancer; hereditary breast carcinoma. Identifiers: Orphanet 227535, MedGen C0346153, MONDO:0016419, OMIM 114480. Disease mechanism: loss of function.
Malignant tumor of breast. Also called: Malignant breast neoplasm; Cancer breast. Identifiers: MedGen C0006142, MONDO:0007254. Disease mechanism: loss of function.
Hereditary cancer-predisposing syndrome. Also called: Neoplastic Syndromes, Hereditary; Hereditary Cancer Syndrome; Hereditary neoplastic syndrome; Tumor predisposition. Identifiers: Orphanet 140162, MedGen C0027672, MeSH D009386, MONDO:0015356.

Submissions (5):

Labcorp Genetics (formerly Invitae), Labcorp
Classification: Likely benign for Familial cancer of breast. Last evaluated: 2026-01-18. Review status: criteria provided, single submitter. Criteria: Invitae Variant Classification Sherloc (09022015). Collection method: clinical testing. Allele origin: germline.

Myriad Genetics, Inc.
Classification: Benign for Familial cancer of breast. Last evaluated: 2025-01-13. Review status: criteria provided, single submitter. Criteria: Myriad Autosomal Dominant, Autosomal Recessive and X-Linked Classification Criteria (2023). Collection method: clinical testing. Allele origin: unknown.
Comment: This variant is considered benign. This variant is a silent/synonymous amino acid change and it is not expected to impact splicing.

Color Diagnostics, LLC DBA Color Health
Classification: Likely benign for Hereditary cancer-predisposing syndrome. Last evaluated: 2019-08-02. Review status: criteria provided, single submitter. Criteria: ACMG Guidelines, 2015. Collection method: clinical testing. Allele origin: germline.

Ambry Genetics
Classification: Likely benign for Hereditary cancer-predisposing syndrome. Last evaluated: 2016-04-08. Review status: criteria provided, single submitter. Criteria: Ambry Variant Classification Scheme 2023. Collection method: clinical testing. Allele origin: germline.

Department of Pathology and Laboratory Medicine, Sinai Health System
Classification: Likely benign for Malignant tumor of breast. Review status: no assertion criteria provided. Collection method: clinical testing. Allele origin: unknown. Affected: yes. Observed: 3 variant alleles. Study: The Canadian Open Genetics Repository (COGR). Not counted in ClinVar's aggregate classification.
Comment: The PALB2 p.Glu426= variant was not identified in the literature nor was it identified in the dbSNP, Cosmic, MutDB, LOVD 3.0 and Zhejiang Colon Cancer Databases. The variant was identified in ClinVar and Clinvitae (2x as likely benign by Invitae and Ambry Genetics). The variant was not identified in the following control databases: the 1000 Genomes Project, the NHLBI GO Exome Sequencing Project, the Exome Aggregation Consortium (August 8th 2016), or the Genome Aggregation Database (Feb 27, 2017). The p.Glu426Glu variant is not expected to have clinical significance because it does not result in a change of amino acid and is not located in a known consensus splice site. In addition, in silico or computational prediction software programs (SpliceSiteFinder, MaxEntScan, NNSPLICE, GeneSplicer, HumanSpliceFinder) do not predict a difference in splicing. In summary, based on the above information the clinical significance of this variant cannot be determined with certainty at this time although we would lean towards a more benign role for this variant. This variant is classified as likely benign.

NM_024675.4(PALB2):c.1278G>A (p.Glu426=)

Gene: PALB2 (partner and localizer of BRCA2; minus strand). Cytogenetic location: 16p12.2.
Variant type: single nucleotide variant.
Coding change: c.1278G>A on transcript NM_024675.4 (MANE Select); coding-DNA position 1278, G replaced by A.
Protein change: p.Glu426=; no amino-acid change (glutamic acid 426 retained).
Molecular consequence: synonymous variant.
Genome position (GRCh38, 1-based): chr16:23,635,268, C>T on the plus strand (G>A on the coding strand, the complement: PALB2 is on the minus strand). VCF-style: chr16-23635268-C-T. GRCh37 (hg19) VCF-style: chr16-23646589-C-T.
Identifiers: ClinVar variation 460886 (VCV000460886.19), dbSNP rs1555461362, ClinGen allele CA494461591.